The following is an entry in ClinVar:

NM_001354768.3(NRL):c.14C>G (p.Pro5Arg)

Gene: NRL (neural retina leucine zipper; minus strand). Cytogenetic location: 14q11.2.
Variant type: single nucleotide variant.
Coding change: c.14C>G on transcript NM_001354768.3 (MANE Select); coding-DNA position 14, C replaced by G.
Protein change: p.Pro5Arg; replaces proline 5 with arginine.
Molecular consequence: missense variant.
Genome position (GRCh38, 1-based): chr14:24,082,835, G>C on the plus strand (C>G on the coding strand, the complement: NRL is on the minus strand). VCF-style: chr14-24082835-G-C. GRCh37 (hg19) VCF-style: chr14-24552044-G-C.
Other names: c.14C>G, p.Pro5Arg (NM_001354769.1, NM_001354770.2, NM_006177.5); short protein forms P5R.
Identifiers: ClinVar variation 1381163 (VCV001381163.6), dbSNP rs1353762258, ClinGen allele CA389283181.
Genomic context (GRCh38, chr14:24,082,835, plus strand): 5'-CGCTTTACCTCAAACTTCATCAAGTCAAAGTCATTGACATATTCCATGGCCAGGGGGCTG[G>C]GGGGCAGGGCCATTCTGGAGCTGGGCTGGGAGGAGTGCACCTGCAAAGAGGAGGAGAGGT-3'
Protein context (NP_001341697.1, residues 1-15): MALP[Pro5Arg]SPLAMEYVND

ClinVar aggregate classification (germline): Uncertain significance (1 of 4 stars; one submission).

Allele frequency attached by ClinVar (database versions not stated): gnomAD exomes below 0.00001; gnomAD 0.00002; TOPMed 0.00002.
gnomAD v4.1: 7 of 1,612,980 alleles (0.00043%); highest among the groups gnomAD compares: Admixed American, 0.0067%; no homozygotes.

Submission:

Labcorp Genetics (formerly Invitae), Labcorp
Classification: Uncertain significance. Last evaluated: 2022-08-15. Review status: criteria provided, single submitter. Criteria: Invitae Variant Classification Sherloc (09022015). Collection method: clinical testing. Allele origin: germline.
Comment: This variant is present in population databases (no rsID available, gnomAD 0.0009%). In summary, the available evidence is currently insufficient to determine the role of this variant in disease. Therefore, it has been classified as a Variant of Uncertain Significance. Algorithms developed to predict the effect of missense changes on protein structure and function are either unavailable or do not agree on the potential impact of this missense change (SIFT: "Deleterious"; PolyPhen-2: "Possibly Damaging"; Align-GVGD: "Class C15"). ClinVar contains an entry for this variant (Variation ID: 1381163). This variant has not been reported in the literature in individuals affected with NRL-related conditions. This sequence change replaces proline, which is neutral and non-polar, with arginine, which is basic and polar, at codon 5 of the NRL protein (p.Pro5Arg).